The following is an entry in ClinVar:

ClinVar aggregate classification (germline): Uncertain significance (1 of 4 stars; one submission).

Allele frequency attached by ClinVar (database versions not stated): TOPMed below 0.00001.

Submission:

GeneDx
Classification: Uncertain significance. Last evaluated: 2023-08-28. Review status: criteria provided, single submitter. Criteria: GeneDx Variant Classification Process June 2021. Collection method: clinical testing. Allele origin: germline. Affected: yes.
Comment: Not observed in large population cohorts (gnomAD); In silico analysis, which includes protein predictors and evolutionary conservation, supports that this variant does not alter protein structure/function; Has not been previously published as pathogenic or benign to our knowledge

NM_001039591.3(USP9X):c.3857G>A (p.Cys1286Tyr)

Gene: USP9X (ubiquitin specific peptidase 9 X-linked; plus strand). Cytogenetic location: Xp11.4.
Variant type: single nucleotide variant.
Coding change: c.3857G>A on transcript NM_001039591.3 (MANE Select); coding-DNA position 3857, G replaced by A.
Protein change: p.Cys1286Tyr; replaces cysteine 1286 with tyrosine.
Molecular consequence: missense variant.
Genome position (GRCh38, 1-based): chrX:41,189,355, G>A. VCF-style: chrX-41189355-G-A. GRCh37 (hg19) VCF-style: chrX-41048608-G-A.
Other names: c.3857G>A, p.Cys1286Tyr (NM_001039590.3); short protein forms C1286Y.
Identifiers: ClinVar variation 1191748 (VCV001191748.4), dbSNP rs1753148692, ClinGen allele CA412768879.